The following is an entry in ClinVar:

NM_001330700.2(TOP2B):c.3451C>G (p.Leu1151Val)

Gene: TOP2B (DNA topoisomerase II beta; minus strand). Cytogenetic location: 3p24.2.
Variant type: single nucleotide variant.
Coding change: c.3451C>G on transcript NM_001330700.2 (MANE Select); coding-DNA position 3451, C replaced by G.
Protein change: p.Leu1151Val; replaces leucine 1151 with valine.
Molecular consequence: missense variant.
Genome position (GRCh38, 1-based): chr3:25,615,487, G>C on the plus strand (C>G on the coding strand, the complement: TOP2B is on the minus strand). VCF-style: chr3-25615487-G-C. GRCh37 (hg19) VCF-style: chr3-25656978-G-C.
Other names: c.3436C>G, p.Leu1146Val (NM_001068.3); short protein forms L1146V, L1151V.
Identifiers: ClinVar variation 999780 (VCV000999780.6), dbSNP rs1702479861, ClinGen allele CA351895773.

ClinVar aggregate classification (germline): Conflicting classifications of pathogenicity. Review status: criteria provided, conflicting classifications (1 of 4 stars). 2 submissions from 2 submitters: Likely pathogenic (1); Uncertain significance (1). Last evaluated 2022-09-01.

Conditions:
B-cell immunodeficiency, distal limb anomalies, and urogenital malformations. Also called: HOFFMAN SYNDROME; BILU SYNDROME. Identifiers: Orphanet 567502, MedGen C1836437, MONDO:0012243, OMIM 609296.

Submissions (2):

HudsonAlpha Institute for Biotechnology
Classification: Likely pathogenic for B-cell immunodeficiency, distal limb anomalies, and urogenital malformations. Last evaluated: 2022-09-01. Review status: criteria provided, single submitter. Criteria: ACMG Guidelines, 2015. Collection method: research. Allele origin: de novo. Affected: yes. Observed: 1 variant allele. Study: CSER-HudsonAlpha.
Comment: ACMG codes:PS2, PM2, PP2

Labcorp Genetics (formerly Invitae), Labcorp
Classification: Uncertain significance. Last evaluated: 2020-10-07. Review status: criteria provided, single submitter. Criteria: Invitae Variant Classification Sherloc (09022015). Collection method: clinical testing. Allele origin: germline.
Comment: In summary, the available evidence is currently insufficient to determine the role of this variant in disease. Therefore, it has been classified as a Variant of Uncertain Significance. This sequence change replaces leucine with valine at codon 1146 of the TOP2B protein (p.Leu1146Val). The leucine residue is moderately conserved and there is a small physicochemical difference between leucine and valine. This variant is not present in population databases (ExAC no frequency). This variant has not been reported in the literature in individuals with TOP2B-related conditions. Algorithms developed to predict the effect of missense changes on protein structure and function are either unavailable or do not agree on the potential impact of this missense change (SIFT: "Deleterious"; PolyPhen-2: "Possibly Damaging"; Align-GVGD: "Class C0").